The following is an entry in ClinVar:

ClinVar aggregate classification (germline): Benign/Likely benign. Review status: criteria provided, multiple submitters, no conflicts (2 of 4 stars). 3 submissions from 3 submitters: Benign (1); Likely benign (2). Last evaluated 2025-06-06.

Conditions:
Hereditary cancer-predisposing syndrome. Also called: Hereditary Cancer Syndrome; Neoplastic Syndromes, Hereditary; Hereditary neoplastic syndrome; Tumor predisposition. Identifiers: Orphanet 140162, MedGen C0027672, MeSH D009386, MONDO:0015356.
Prostate cancer, hereditary, 9 (HPC9). Identifiers: Orphanet 1331, MedGen C1970250, MONDO:0012597, OMIM 610997.

Submissions (3):

Ambry Genetics
Classification: Likely benign for Hereditary cancer-predisposing syndrome. Last evaluated: 2025-06-06. Review status: criteria provided, single submitter. Criteria: Ambry Variant Classification Scheme 2023. Collection method: clinical testing. Allele origin: germline.

Myriad Genetics, Inc.
Classification: Benign for Prostate cancer, hereditary, 9. Last evaluated: 2024-10-29. Review status: criteria provided, single submitter. Criteria: Myriad Autosomal Dominant, Autosomal Recessive and X-Linked Classification Criteria (2023). Collection method: clinical testing. Allele origin: unknown.
Comment: This variant is considered benign. This variant is a silent/synonymous amino acid change and it is not expected to impact splicing.

Labcorp Genetics (formerly Invitae), Labcorp
Classification: Likely benign. Last evaluated: 2021-11-24. Review status: criteria provided, single submitter. Criteria: Invitae Variant Classification Sherloc (09022015). Collection method: clinical testing. Allele origin: germline.

NM_006361.6(HOXB13):c.222C>T (p.Ser74=)

Gene: HOXB13 (homeobox B13; minus strand). Cytogenetic location: 17q21.32.
Variant type: single nucleotide variant.
Coding change: c.222C>T on transcript NM_006361.6 (MANE Select); coding-DNA position 222, C replaced by T.
Protein change: p.Ser74=; no amino-acid change (serine 74 retained).
Molecular consequence: synonymous variant.
Genome position (GRCh38, 1-based): chr17:48,728,372, G>A on the plus strand (C>T on the coding strand, the complement: HOXB13 is on the minus strand). VCF-style: chr17-48728372-G-A. GRCh37 (hg19) VCF-style: chr17-46805734-G-A.
Other names: c.222C>T (NM_006361.5).
Identifiers: ClinVar variation 1618818 (VCV001618818.10), dbSNP rs2143073672, ClinGen allele CA500662010.
Genomic context (GRCh38, chr17:48,728,372, plus strand): 5'-CCGGGACACTCGGCAGGAGTAGTACCCGCCTCCAAAGTAACCATAAGGCACGGGAGCTGG[G>A]GACGTCCCCTGGGGCACCCCAGGGCATGGGTGGCATTGCTTTGGCGGCTCCGCCGAGCCT-3'
Protein context (NP_006352.2, residues 64-84): HPCPGVPQGT[Ser74=]PAPVPYGYFG